The following is an entry in ClinVar:

GRCh38/hg38 14q32.31-32.33(chr14:102263440-106874929)x1

Genes: BTBD6 (BTB domain containing 6; plus strand), ADSS1 (adenylosuccinate synthase 1; plus strand), AHNAK2 (AHNAK nucleoprotein 2; minus strand), AKT1 (AKT serine/threonine kinase 1; minus strand), AMN (amnion associated transmembrane protein; plus strand) and 394 more. Cytogenetic location: 14q32.31-32.33.
Variant type: copy number loss.
Change: copy number 1 (one copy instead of two) of chr14:102,263,440-106,874,929 (4.61 Mb, GRCh38 coordinates, 1-based), cytogenetic band 14q32.31-32.33.
Identifiers: ClinVar variation 2579167 (VCV002579167.1).

ClinVar aggregate classification (germline): Pathogenic (1 of 4 stars; one submission).

Conditions:
Neurodevelopmental disorder. Identifiers: MedGen C1535926, MeSH D065886, MONDO:0700092.

Submission:

Broad Center for Mendelian Genomics, Broad Institute of MIT and Harvard
Classification: Pathogenic for Neurodevelopmental disorder. Last evaluated: 2023-08-24. Review status: criteria provided, single submitter. Criteria: ACMG/ClinGen CNV Guidelines, 2019. Collection method: research. Allele origin: de novo. Inheritance: Autosomal dominant inheritance. Affected: yes.
Comment: These breakpoints have been estimated by exome sequencing only and therefore may not reflect the true breakpoints. The patient phenotype is nonspecific, but is consistent with cases described in the literature and/or published databases with overlapping variants. More than two HI predictors suggest that at least 5 genes (CDC42BPB, RCOR1, TRAF3, PPP1R13B, EIF5) included in this deletion are haploinsufficient. In summary, the 14q32 deletion meets criteria to be classified as pathogenic. The ACMG/ClinGen evidence codes and points used in this curation are as follows: 1: 0 points, 2: 0.15 points, 3: 0.90 points, 4-5: 0.15 points; Total: 1.20 points; Riggs 2020 (PMID: 31690835).